The following is an entry in ClinVar:

ClinVar aggregate classification (germline): Uncertain significance (1 of 4 stars; one submission).

Submission:

Labcorp Genetics (formerly Invitae), Labcorp
Classification: Uncertain significance. Last evaluated: 2024-10-16. Review status: criteria provided, single submitter. Criteria: Invitae Variant Classification Sherloc (09022015). Collection method: clinical testing. Allele origin: germline.
Comment: This sequence change replaces alanine, which is neutral and non-polar, with valine, which is neutral and non-polar, at codon 165 of the WARS2 protein (p.Ala165Val). This variant is not present in population databases (gnomAD no frequency). This variant has not been reported in the literature in individuals affected with WARS2-related conditions. ClinVar contains an entry for this variant (Variation ID: 1938930). Invitae Evidence Modeling of protein sequence and biophysical properties (such as structural, functional, and spatial information, amino acid conservation, physicochemical variation, residue mobility, and thermodynamic stability) indicates that this missense variant is not expected to disrupt WARS2 protein function with a negative predictive value of 80%. Algorithms developed to predict the effect of sequence changes on RNA splicing suggest that this variant may disrupt the consensus splice site. In summary, the available evidence is currently insufficient to determine the role of this variant in disease. Therefore, it has been classified as a Variant of Uncertain Significance.

NM_015836.4(WARS2):c.494C>T (p.Ala165Val)

Gene: WARS2 (tryptophanyl tRNA synthetase 2, mitochondrial; minus strand). Cytogenetic location: 1p12.
Variant type: single nucleotide variant.
Coding change: c.494C>T on transcript NM_015836.4 (MANE Select); coding-DNA position 494, C replaced by T.
Protein change: p.Ala165Val; replaces alanine 165 with valine.
Molecular consequence: missense variant. On other transcripts: intron variant (1).
Genome position (GRCh38, 1-based): chr1:119,042,285, G>A on the plus strand (C>T on the coding strand, the complement: WARS2 is on the minus strand). VCF-style: chr1-119042285-G-A. GRCh37 (hg19) VCF-style: chr1-119584908-G-A.
Other names: c.425C>T, p.Ala142Val (NM_001378226.1, NM_001378227.1); c.323C>T, p.Ala108Val (NM_001378228.1); c.236C>T, p.Ala79Val (NM_001378229.1); c.212C>T, p.Ala71Val (NM_001378230.1); c.494C>T, p.Ala165Val (NM_201263.2); c.429+3297C>T (NM_001378231.1); short protein forms A108V, A142V, A79V, A71V, A165V.
Identifiers: ClinVar variation 1938930 (VCV001938930.5), dbSNP rs2525003665, ClinGen allele CA341437354.